The following is an entry in ClinVar:

NM_001163435.3(TBCK):c.274A>G (p.Thr92Ala)

Gene: TBCK (TBC1 domain containing kinase; minus strand). Cytogenetic location: 4q24.
Variant type: single nucleotide variant.
Coding change: c.274A>G on transcript NM_001163435.3 (MANE Select); coding-DNA position 274, A replaced by G.
Protein change: p.Thr92Ala; replaces threonine 92 with alanine.
Molecular consequence: missense variant. On other transcripts: 5 prime UTR variant (1), intron variant (1).
Genome position (GRCh38, 1-based): chr4:106,262,205, T>C on the plus strand (A>G on the coding strand, the complement: TBCK is on the minus strand). VCF-style: chr4-106262205-T-C. GRCh37 (hg19) VCF-style: chr4-107183362-T-C.
Other names: c.274A>G, p.Thr92Ala (NM_001163436.4, NM_001163437.3); c.-344A>G (NM_001290768.2); c.267-10198A>G (NM_033115.5); c.274A>G (NM_001163435.1); short protein forms T92A.
Identifiers: ClinVar variation 1501764 (VCV001501764.4), dbSNP rs374168890, ClinGen allele CA103416685.

ClinVar aggregate classification (germline): Conflicting classifications of pathogenicity. Review status: criteria provided, conflicting classifications (1 of 4 stars). 2 submissions from 2 submitters: Uncertain significance (1); Likely benign (1). Last evaluated 2024-04-05.

Conditions:
Inborn genetic diseases. Identifiers: MedGen C0950123, MeSH D030342.

Allele frequency attached by ClinVar (database versions not stated): gnomAD 0.00001; gnomAD exomes 0.00001 and 0.00002; TOPMed 0.00001.
gnomAD v4.1: 14 of 1,534,304 alleles (0.00091%); highest among the groups gnomAD compares: East Asian, 0.017%; no homozygotes.

Submissions (2):

Ambry Genetics
Classification: Likely benign for Inborn genetic diseases. Last evaluated: 2024-04-05. Review status: criteria provided, single submitter. Criteria: Ambry Variant Classification Scheme 2023. Collection method: clinical testing. Allele origin: germline.

Labcorp Genetics (formerly Invitae), Labcorp
Classification: Uncertain significance. Last evaluated: 2021-09-15. Review status: criteria provided, single submitter. Criteria: Invitae Variant Classification Sherloc (09022015). Collection method: clinical testing. Allele origin: germline.
Comment: This sequence change replaces threonine with alanine at codon 92 of the TBCK protein (p.Thr92Ala). The threonine residue is weakly conserved and there is a small physicochemical difference between threonine and alanine. This variant is not present in population databases (ExAC no frequency). This variant has not been reported in the literature in individuals affected with TBCK-related conditions. Algorithms developed to predict the effect of missense changes on protein structure and function (SIFT, PolyPhen-2, Align-GVGD) all suggest that this variant is likely to be tolerated. Algorithms developed to predict the effect of sequence changes on RNA splicing suggest that this variant may create or strengthen a splice site. In summary, the available evidence is currently insufficient to determine the role of this variant in disease. Therefore, it has been classified as a Variant of Uncertain Significance.